The following is an entry in ClinVar:

ClinVar aggregate classification (germline): Likely benign (1 of 4 stars; one submission).

Allele frequency attached by ClinVar (database versions not stated): TOPMed below 0.00001.
gnomAD v4.1: 12 of 1,522,018 alleles (0.00079%); highest among the groups gnomAD compares: Non-Finnish European, 0.0011%; no homozygotes.

Submission:

GeneDx
Classification: Likely benign. Last evaluated: 2016-08-12. Review status: criteria provided, single submitter. Criteria: GeneDx Variant Classification (06012015). Collection method: clinical testing. Allele origin: germline. Affected: yes.
Comment: This variant is considered likely benign or benign based on one or more of the following criteria: it is a conservative change, it occurs at a poorly conserved position in the protein, it is predicted to be benign by multiple in silico algorithms, and/or has population frequency not consistent with disease.

NM_145239.3(PRRT2):c.-57G>A

Genes: MVP-DT (MVP divergent transcript; minus strand), PRRT2 (proline rich transmembrane protein 2; plus strand). Cytogenetic location: 16p11.2.
Variant type: single nucleotide variant.
Coding change: c.-57G>A on transcript NM_145239.3 (MANE Select); 57 bases upstream of the start codon, G replaced by A.
Molecular consequence: 5 prime UTR variant.
Genome position (GRCh38, 1-based): chr16:29,812,998, G>A. VCF-style: chr16-29812998-G-A. GRCh37 (hg19) VCF-style: chr16-29824319-G-A.
Other names: c.-57G>A (NM_001256442.2, NM_001256443.2).
Identifiers: ClinVar variation 388392 (VCV000388392.1), dbSNP rs1057523086, ClinGen allele CA16607016.
Genomic context (GRCh38, chr16:29,812,998, plus strand): 5'-TGCTGAGCGCCCTCTTCCCTCCTCACCCCAAGCCTATCTCCTCCTCTTCCAGGGTTTGCC[G>A]CTGTCTCTGCTATTCCATCCTCCCCATAGGGGCTCTCTCCCCTCTCCCATCTCAAGATGG-3'